The following is an entry in ClinVar:

NM_145200.5(CABP4):c.615G>A (p.Met205Ile)

Gene: CABP4 (calcium binding protein 4; plus strand). Cytogenetic location: 11q13.2.
Variant type: single nucleotide variant.
Coding change: c.615G>A on transcript NM_145200.5 (MANE Select); coding-DNA position 615, G replaced by A.
Protein change: p.Met205Ile; replaces methionine 205 with isoleucine.
Molecular consequence: missense variant. On other transcripts: non-coding transcript variant (1).
Genome position (GRCh38, 1-based): chr11:67,457,646, G>A. VCF-style: chr11-67457646-G-A. GRCh37 (hg19) VCF-style: chr11-67225117-G-A.
Other names: c.300G>A, p.Met100Ile (NM_001300895.3, NM_001300896.3, NM_001379183.1); short protein forms M205I, M100I.
Identifiers: ClinVar variation 938889 (VCV000938889.9), dbSNP rs1224015264, ClinGen allele CA381531632.

ClinVar aggregate classification (germline): Uncertain significance (1 of 4 stars; one submission).

Allele frequency attached by ClinVar (database versions not stated): gnomAD exomes below 0.00001.
gnomAD v4.1: 2 of 1,603,696 alleles (0.00012%); highest among the groups gnomAD compares: Admixed American, 0.0017%; no homozygotes.

Submission:

Labcorp Genetics (formerly Invitae), Labcorp
Classification: Uncertain significance. Last evaluated: 2023-12-22. Review status: criteria provided, single submitter. Criteria: Invitae Variant Classification Sherloc (09022015). Collection method: clinical testing. Allele origin: germline.
Comment: This sequence change replaces methionine, which is neutral and non-polar, with isoleucine, which is neutral and non-polar, at codon 205 of the CABP4 protein (p.Met205Ile). The frequency data for this variant in the population databases is considered unreliable, as metrics indicate poor data quality at this position in the gnomAD database. This variant has not been reported in the literature in individuals affected with CABP4-related conditions. ClinVar contains an entry for this variant (Variation ID: 938889). An algorithm developed to predict the effect of missense changes on protein structure and function (PolyPhen-2) suggests that this variant is likely to be disruptive. In summary, the available evidence is currently insufficient to determine the role of this variant in disease. Therefore, it has been classified as a Variant of Uncertain Significance.